The following is an entry in ClinVar:

ClinVar aggregate classification (germline): Uncertain significance (1 of 4 stars; one submission).

Conditions:
Moyamoya disease 2 (MYMY2). Also called: MOYAMOYA DISEASE 2, SUSCEPTIBILITY TO. Identifiers: Orphanet 2573, MedGen C1846689, MONDO:0011784, OMIM 607151.

Allele frequency attached by ClinVar (database versions not stated): gnomAD exomes 0.00001 and 0.00002.

Submission:

Laboratorio de Genetica e Diagnostico Molecular, Hospital Israelita Albert Einstein
Classification: Uncertain significance for Moyamoya disease 2. Last evaluated: 2021-06-03. Review status: criteria provided, single submitter. Criteria: ACMG Guidelines, 2015. Collection method: clinical testing. Allele origin: germline. Affected: yes.
Comment: ACMG classification criteria: BP4 supporting

NM_001256071.3(RNF213):c.1015C>T (p.Leu339Phe)

Gene: RNF213 (ring finger protein 213; plus strand). Cytogenetic location: 17q25.3.
Variant type: single nucleotide variant.
Coding change: c.1015C>T on transcript NM_001256071.3 (MANE Select); coding-DNA position 1015, C replaced by T.
Protein change: p.Leu339Phe; replaces leucine 339 with phenylalanine.
Molecular consequence: missense variant.
Genome position (GRCh38, 1-based): chr17:80,289,740, C>T. VCF-style: chr17-80289740-C-T. GRCh37 (hg19) VCF-style: chr17-78263539-C-T.
Other names: c.1015C>T, p.Leu339Phe (NM_020954.4); short protein forms L339F.
Identifiers: ClinVar variation 1683555 (VCV001683555.2), dbSNP rs906213655, ClinGen allele CA294894172.
Genomic context (GRCh38, chr17:80,289,740, plus strand): 5'-GACGAGATGGCTGCTGCTGAAGAAAAAGTCGGTAAGAATGAACAAGGGGAGCCTGAAGAC[C>T]TCAAGAAGCCAGAGGGGAAGAACAGAAGTGCAGCTGCTGTGAAAAACGAGAAGGAGCAAA-3'
Protein context (NP_001243000.2, residues 329-349): GKNEQGEPED[Leu339Phe]KKPEGKNRSA